The following is an entry in ClinVar:

NM_058246.4(DNAJB6):c.617A>C (p.Lys206Thr)

Gene: DNAJB6 (DnaJ heat shock protein family (Hsp40) member B6; plus strand). Cytogenetic location: 7q36.3.
Variant type: single nucleotide variant.
Coding change: c.617A>C on transcript NM_058246.4 (MANE Select); coding-DNA position 617, A replaced by C.
Protein change: p.Lys206Thr; replaces lysine 206 with threonine.
Molecular consequence: missense variant. On other transcripts: intron variant (1).
Genome position (GRCh38, 1-based): chr7:157,385,005, A>C. VCF-style: chr7-157385005-A-C. GRCh37 (hg19) VCF-style: chr7-157177699-A-C.
Other names: c.617A>C, p.Lys206Thr (NM_005494.3); c.346+17522A>C (NM_001363676.1); short protein forms K206T.
Identifiers: ClinVar variation 2010109 (VCV002010109.4), dbSNP rs2536099081, ClinGen allele CA370166870.

ClinVar aggregate classification (germline): Uncertain significance (1 of 4 stars; one submission).

Conditions:
Autosomal dominant limb-girdle muscular dystrophy type 1D (DNAJB6) (LGMDD1). Also called: MUSCULAR DYSTROPHY, LIMB-GIRDLE, TYPE 1D; Autosomal dominant limb-girdle muscular dystrophy type 1D; Muscular dystrophy, limb-girdle, autosomal dominant 1; MUSCULAR DYSTROPHY, AUTOSOMAL DOMINANT, WITH RIMMED VACUOLES. Identifiers: Orphanet 34516, MedGen C4721885, MONDO:0021018, OMIM 603511.

Allele frequency attached by ClinVar (database versions not stated): gnomAD exomes below 0.00001.
gnomAD v4.1: 1 of 1,614,032 alleles (0.000062%); highest among the groups gnomAD compares: Admixed American, 0.0017%; no homozygotes.

Submission:

Labcorp Genetics (formerly Invitae), Labcorp
Classification: Uncertain significance for Autosomal dominant limb-girdle muscular dystrophy type 1D (DNAJB6). Last evaluated: 2024-04-08. Review status: criteria provided, single submitter. Criteria: Invitae Variant Classification Sherloc (09022015). Collection method: clinical testing. Allele origin: germline.
Comment: This sequence change replaces lysine, which is basic and polar, with threonine, which is neutral and polar, at codon 206 of the DNAJB6 protein (p.Lys206Thr). This variant is not present in population databases (gnomAD no frequency). This variant has not been reported in the literature in individuals affected with DNAJB6-related conditions. ClinVar contains an entry for this variant (Variation ID: 2010109). Advanced modeling of protein sequence and biophysical properties (such as structural, functional, and spatial information, amino acid conservation, physicochemical variation, residue mobility, and thermodynamic stability) performed at Invitae indicates that this missense variant is not expected to disrupt DNAJB6 protein function with a negative predictive value of 80%. In summary, the available evidence is currently insufficient to determine the role of this variant in disease. Therefore, it has been classified as a Variant of Uncertain Significance.